The following is an entry in ClinVar:

NM_001080421.3(UNC13A):c.2742C>A (p.Ser914=)

Gene: UNC13A (unc-13 homolog A; minus strand). Cytogenetic location: 19p13.11.
Variant type: single nucleotide variant.
Coding change: c.2742C>A on transcript NM_001080421.3 (MANE Select); coding-DNA position 2742, C replaced by A.
Protein change: p.Ser914=; no amino-acid change (serine 914 retained).
Molecular consequence: synonymous variant.
Genome position (GRCh38, 1-based): chr19:17,640,556, G>T on the plus strand (C>A on the coding strand, the complement: UNC13A is on the minus strand). VCF-style: chr19-17640556-G-T. GRCh37 (hg19) VCF-style: chr19-17751365-G-T.
Other names: c.2736C>A, p.Ser912= (NM_001387021.1, NM_001387022.1, NM_001387023.1).
Identifiers: ClinVar variation 3349980 (VCV003349980.1).
Genomic context (GRCh38, chr19:17,640,556, plus strand): 5'-GTCCCCAGGACTGACCCCAAAGTTGGAGGCGGCGAAGCGGTCGGAGGCAGACACGTTGGT[G>T]GAGGCGGTGGTGTGTGCGTAGTAGGCATTGATGTTGGCGAGCAGGGTGCTCATGACGGCA-3'
Protein context (NP_001073890.2, residues 904-924): INAYYAHTTA[Ser914=]TNVSASDRFA

ClinVar aggregate classification (germline): Likely benign (0 of 4 stars; one submission).

Conditions:
UNC13A-related disorder. Also called: UNC13A-related condition.

Submission:

PreventionGenetics, part of Exact Sciences
Classification: Likely benign for UNC13A-related condition. Last evaluated: 2024-01-30. Review status: no assertion criteria provided. Collection method: clinical testing. Allele origin: germline.
Comment: This variant is classified as likely benign based on ACMG/AMP sequence variant interpretation guidelines (Richards et al. 2015 PMID: 25741868, with internal and published modifications).